The following is an entry in ClinVar:

ClinVar aggregate classification (germline): Uncertain significance (1 of 4 stars; one submission).

Conditions:
Dilated cardiomyopathy 1G (CMD1G). Identifiers: Orphanet 154, MedGen C1858763, MONDO:0011400, OMIM 604145.
Autosomal recessive limb-girdle muscular dystrophy type 2J (LGMDR10). Also called: Limb-girdle muscular dystrophy, type 2J; MUSCULAR DYSTROPHY, LIMB-GIRDLE, AUTOSOMAL RECESSIVE 10. Identifiers: Orphanet 140922, MedGen C1837342, MONDO:0012127, OMIM 608807.

Submission:

Labcorp Genetics (formerly Invitae), Labcorp
Classification: Uncertain significance for Dilated cardiomyopathy 1G; Autosomal recessive limb-girdle muscular dystrophy type 2J. Last evaluated: 2022-11-03. Review status: criteria provided, single submitter. Criteria: Invitae Variant Classification Sherloc (09022015). Collection method: clinical testing. Allele origin: germline.
Comment: This variant is located in the M band of TTN (PMID: 25589632). Variants in this region may be relevant for neuromuscular disorders, but have not been definitively shown to cause cardiomyopathy (PMID: 23975875). In summary, the available evidence is currently insufficient to determine the role of this variant in disease. Therefore, it has been classified as a Variant of Uncertain Significance. Experimental studies and prediction algorithms are not available or were not evaluated, and the functional significance of this variant is currently unknown. This variant has not been reported in the literature in individuals affected with TTN-related conditions. This variant is not present in population databases (gnomAD no frequency). This sequence change replaces aspartic acid, which is acidic and polar, with alanine, which is neutral and non-polar, at codon 35025 of the TTN protein (p.Asp35025Ala).

Literature cited by the submitters: PubMed 25589632; PubMed 23975875.

NM_001267550.2(TTN):c.105074A>C (p.Asp35025Ala)

Genes: TTN-AS1 (TTN antisense RNA 1; plus strand), TTN (titin; minus strand). Cytogenetic location: 2q31.2.
Variant type: single nucleotide variant.
Coding change: c.105074A>C on transcript NM_001267550.2 (MANE Select); coding-DNA position 105074, A replaced by C.
Protein change: p.Asp35025Ala; replaces aspartic acid 35025 with alanine.
Molecular consequence: missense variant.
Genome position (GRCh38, 1-based): chr2:178,531,541, T>G on the plus strand (A>C on the coding strand, the complement: TTN is on the minus strand). VCF-style: chr2-178531541-T-G. GRCh37 (hg19) VCF-style: chr2-179396268-T-G.
Other names: c.100151A>C, p.Asp33384Ala (NM_001256850.1); c.77879A>C, p.Asp25960Ala (NM_003319.4); c.97370A>C, p.Asp32457Ala (NM_133378.4); c.78254A>C, p.Asp26085Ala (NM_133432.3); c.78455A>C, p.Asp26152Ala (NM_133437.4); short protein forms D32457A, D25960A, D35025A, D26085A, D26152A, D33384A.
Identifiers: ClinVar variation 2941262 (VCV002941262.3), dbSNP rs2468414219, ClinGen allele CA349409543.